The following is an entry in ClinVar:

ClinVar aggregate classification (germline): Uncertain significance (1 of 4 stars; one submission).

Conditions:
Spastic paraplegia. Identifiers: MedGen C0037772, HP:0001258.

Allele frequency attached by ClinVar (database versions not stated): TOPMed below 0.00001.

Submission:

Labcorp Genetics (formerly Invitae), Labcorp
Classification: Uncertain significance for Spastic paraplegia. Last evaluated: 2022-03-19. Review status: criteria provided, single submitter. Criteria: Invitae Variant Classification Sherloc (09022015). Collection method: clinical testing. Allele origin: germline.
Comment: Algorithms developed to predict the effect of missense changes on protein structure and function (SIFT, PolyPhen-2, Align-GVGD) all suggest that this variant is likely to be tolerated. This variant has not been reported in the literature in individuals affected with ZFYVE26-related conditions. This variant is not present in population databases (gnomAD no frequency). This sequence change replaces valine, which is neutral and non-polar, with methionine, which is neutral and non-polar, at codon 1908 of the ZFYVE26 protein (p.Val1908Met). In summary, the available evidence is currently insufficient to determine the role of this variant in disease. Therefore, it has been classified as a Variant of Uncertain Significance.

NM_015346.4(ZFYVE26):c.5722G>A (p.Val1908Met)

Gene: ZFYVE26 (zinc finger FYVE-type containing 26; minus strand). Cytogenetic location: 14q24.1.
Variant type: single nucleotide variant.
Coding change: c.5722G>A on transcript NM_015346.4 (MANE Select); coding-DNA position 5722, G replaced by A.
Protein change: p.Val1908Met; replaces valine 1908 with methionine.
Molecular consequence: missense variant.
Genome position (GRCh38, 1-based): chr14:67,767,772, C>T on the plus strand (G>A on the coding strand, the complement: ZFYVE26 is on the minus strand). VCF-style: chr14-67767772-C-T. GRCh37 (hg19) VCF-style: chr14-68234489-C-T.
Other names: short protein forms V1908M.
Identifiers: ClinVar variation 2114405 (VCV002114405.4), dbSNP rs2039096673, ClinGen allele CA390166436.